The following is an entry in ClinVar:

ClinVar aggregate classification (germline): Uncertain significance. Review status: criteria provided, single submitter (1 of 4 stars). 2 submissions from 1 submitter: Uncertain significance (1). 1 of the submissions does not count toward it. Last evaluated 2022-10-07.

Conditions:
Spastic paraplegia. Identifiers: MedGen C0037772, HP:0001258.

Submissions (2):

Labcorp Genetics (formerly Invitae), Labcorp
Classification: Uncertain significance for Spastic paraplegia. Last evaluated: 2022-10-07. Review status: criteria provided, single submitter. Criteria: Invitae Variant Classification Sherloc (09022015). Collection method: clinical testing. Allele origin: germline.
Comment: A copy number gain of the genomic region encompassing the full coding sequence of the SACS gene has been identified. The boundaries of this event are unknown as they extend beyond the assayed region for this gene and therefore may encompass additional genes. As the precise location of this event is unknown, it may be in tandem or it may be located elsewhere in the genome. This variant has not been reported in the literature in individuals affected with SACS-related conditions. In summary, the available evidence is currently insufficient to determine the role of this variant in disease. Therefore, it has been classified as a Variant of Uncertain Significance.

Labcorp Genetics (formerly Invitae), Labcorp
Classification: Uncertain significance. Last evaluated: 2022-06-28. Review status: flagged submission. Criteria: Invitae Variant Classification Sherloc (09022015). Collection method: clinical testing. Allele origin: germline. Not counted in ClinVar's aggregate classification.
Comment: A copy number gain of the genomic region encompassing the full coding sequence of the MIPEP gene has been identified. The boundaries of this event are unknown as they extend beyond the assayed region for this gene and therefore may encompass additional genes. As the precise location of this event is unknown, it may be in tandem or it may be located elsewhere in the genome. This variant has not been reported in the literature in individuals affected with MIPEP-related conditions. In summary, the available evidence is currently insufficient to determine the role of this variant in disease. Therefore, it has been classified as a Variant of Uncertain Significance.
ClinVar note: Reason: This record appears to be redundant with a more recent record from the same submitter.
ClinVar note: Notes: SCV003794912 appears to be redundant with SCV003792954.

NC_000013.10:g.(?_23667335)_(24463459_?)dup

Genes: MIPEP (mitochondrial intermediate peptidase; minus strand), PCOTH (prostate and testis expressed opposite C1QTNF9B and MIPEP; plus strand), SACS (sacsin molecular chaperone; minus strand), SGCG (sarcoglycan gamma; plus strand), TNFRSF19 (TNF receptor superfamily member 19; plus strand). Cytogenetic location: 13q12.12.
Variant type: Duplication.
Identifiers: ClinVar variation 2425448 (VCV002425448.3).